The following is an entry in ClinVar:

NM_001010867.4(IBA57):c.11C>T (p.Ala4Val)

Gene: IBA57 (iron-sulfur cluster assembly factor IBA57; plus strand). Cytogenetic location: 1q42.13.
Variant type: single nucleotide variant.
Coding change: c.11C>T on transcript NM_001010867.4 (MANE Select); coding-DNA position 11, C replaced by T.
Protein change: p.Ala4Val; replaces alanine 4 with valine.
Molecular consequence: missense variant.
Genome position (GRCh38, 1-based): chr1:228,165,827, C>T. VCF-style: chr1-228165827-C-T. GRCh37 (hg19) VCF-style: chr1-228353528-C-T.
Other names: p.Ala4Val; short protein forms A4V.
Identifiers: ClinVar variation 651713 (VCV000651713.46), dbSNP rs199781237, ClinGen allele CA1431049.

ClinVar aggregate classification (germline): Conflicting classifications of pathogenicity. Review status: criteria provided, conflicting classifications (1 of 4 stars). 6 submissions from 6 submitters: Uncertain significance (5); Likely benign (1). Last evaluated 2025-09-14.

Conditions:
Hereditary spastic paraplegia 74. Also called: Spastic paraplegia 74, autosomal recessive. Identifiers: Orphanet 468661, MedGen C5568837, MONDO:0014644, OMIM 616451.
Multiple mitochondrial dysfunctions syndrome 3 (MMDS3). Identifiers: Orphanet 363424, MedGen C3809165, MONDO:0014132, OMIM 615330.
Inborn genetic diseases. Identifiers: MedGen C0950123, MeSH D030342.

Allele frequency attached by ClinVar (database versions not stated): 1000 Genomes Project 0.00040; gnomAD 0.00072; TOPMed 0.00083; gnomAD exomes 0.00091; 1000 Genomes Project 30x 0.00109; ExAC 0.00300.
gnomAD v4.1: 1,592 of 1,301,404 alleles (0.12%); highest among the groups gnomAD compares: Non-Finnish European, 0.15%; 1 homozygote.

Submissions (6):

GeneDx
Classification: Uncertain significance. Last evaluated: 2025-09-14. Review status: criteria provided, single submitter. Criteria: GeneDx Variant Classification Process June 2021. Collection method: clinical testing. Allele origin: germline.
Comment: In silico analysis suggests that this missense variant does not alter protein structure/function; Has not been previously published as pathogenic or benign to our knowledge

Mayo Clinic Laboratories, Mayo Clinic
Classification: Likely benign. Last evaluated: 2025-04-22. Review status: criteria provided, single submitter. Criteria: ACMG Guidelines, 2015. Collection method: clinical testing. Allele origin: germline. Observed: 4 variant alleles.
Comment: BS1, BP4_moderate

Labcorp Genetics (formerly Invitae), Labcorp
Classification: Uncertain significance for Multiple mitochondrial dysfunctions syndrome 3; Hereditary spastic paraplegia 74. Last evaluated: 2025-01-15. Review status: criteria provided, single submitter. Criteria: Invitae Variant Classification Sherloc (09022015). Collection method: clinical testing. Allele origin: germline.
Comment: This sequence change replaces alanine, which is neutral and non-polar, with valine, which is neutral and non-polar, at codon 4 of the IBA57 protein (p.Ala4Val). This variant is present in population databases (rs199781237, gnomAD 0.1%), and has an allele count higher than expected for a pathogenic variant. This variant has not been reported in the literature in individuals affected with IBA57-related conditions. ClinVar contains an entry for this variant (Variation ID: 651713). An algorithm developed to predict the effect of missense changes on protein structure and function outputs the following: PolyPhen-2: "Benign". The valine amino acid residue is found in multiple mammalian species, which suggests that this missense change does not adversely affect protein function. In summary, the available evidence is currently insufficient to determine the role of this variant in disease. Therefore, it has been classified as a Variant of Uncertain Significance.

Ambry Genetics
Classification: Uncertain significance for Inborn genetic diseases. Last evaluated: 2021-10-26. Review status: criteria provided, single submitter. Criteria: Ambry Variant Classification Scheme 2023. Collection method: clinical testing. Allele origin: germline.

CeGaT Center for Human Genetics Tuebingen
Classification: Uncertain significance. Last evaluated: 2021-07-01. Review status: criteria provided, single submitter. Criteria: CeGaT Center For Human Genetics Tuebingen Variant Classification Criteria Version 2. Collection method: clinical testing. Allele origin: germline. Affected: yes. Observed: 1 variant allele.

Breakthrough Genomics
Classification: Uncertain significance. Review status: criteria provided, single submitter. Criteria: ACMG Guidelines, 2015. Collection method: not provided. Allele origin: germline. Inheritance: Autosomal recessive inheritance. Affected: yes.